The following is an entry in ClinVar:

NM_002528.7(NTHL1):c.389T>C (p.Leu130Pro)

Gene: NTHL1 (nth like DNA glycosylase 1; minus strand). Cytogenetic location: 16p13.3.
Variant type: single nucleotide variant.
Coding change: c.389T>C on transcript NM_002528.7 (MANE Select); coding-DNA position 389, T replaced by C.
Protein change: p.Leu130Pro; replaces leucine 130 with proline.
Molecular consequence: missense variant. On other transcripts: intron variant (1).
Genome position (GRCh38, 1-based): chr16:2,044,766, A>G on the plus strand (T>C on the coding strand, the complement: NTHL1 is on the minus strand). VCF-style: chr16-2044766-A-G. GRCh37 (hg19) VCF-style: chr16-2094767-A-G.
Other names: c.59T>C, p.Leu20Pro (NM_001318194.2); c.355-1040T>C (NM_001318193.2); c.413T>C (NM_002528.5); short protein forms L20P, L130P.
Identifiers: ClinVar variation 935034 (VCV000935034.9), dbSNP rs2084319371, ClinGen allele CA394294619.

ClinVar aggregate classification (germline): Uncertain significance. Review status: criteria provided, multiple submitters, no conflicts (2 of 4 stars). 2 submissions from 2 submitters: Uncertain significance (2). Last evaluated 2026-07-09.

Conditions:
Hereditary cancer-predisposing syndrome. Also called: Neoplastic Syndromes, Hereditary; Hereditary Cancer Syndrome; Tumor predisposition; Hereditary neoplastic syndrome. Identifiers: Orphanet 140162, MedGen C0027672, MeSH D009386, MONDO:0015356.

Allele frequency attached by ClinVar (database versions not stated): gnomAD exomes below 0.00001.
gnomAD v4.1: 1 of 1,611,404 alleles (0.000062%); highest among the groups gnomAD compares: Non-Finnish European, 0.000085%; no homozygotes.

Submissions (2):

Ambry Genetics
Classification: Uncertain significance for Hereditary cancer-predisposing syndrome. Last evaluated: 2026-07-09. Review status: criteria provided, single submitter. Criteria: Ambry Variant Classification Scheme 2023. Collection method: clinical testing. Allele origin: germline.
Comment: The p.L138P variant (also known as c.413T>C), located in coding exon 3 of the NTHL1 gene, results from a T to C substitution at nucleotide position 413. The leucine at codon 138 is replaced by proline, an amino acid with similar properties. This amino acid position is conserved. In addition, this alteration is predicted to be deleterious by in silico analysis. Based on the available evidence, the clinical significance of this variant remains unclear.

Labcorp Genetics (formerly Invitae), Labcorp
Classification: Uncertain significance. Last evaluated: 2019-09-27. Review status: criteria provided, single submitter. Criteria: Invitae Variant Classification Sherloc (09022015). Collection method: clinical testing. Allele origin: germline.
Comment: In summary, the available evidence is currently insufficient to determine the role of this variant in disease. Therefore, it has been classified as a Variant of Uncertain Significance. Algorithms developed to predict the effect of missense changes on protein structure and function (SIFT, PolyPhen-2, Align-GVGD) all suggest that this variant is likely to be disruptive, but these predictions have not been confirmed by published functional studies and their clinical significance is uncertain. This variant has not been reported in the literature in individuals with NTHL1-related conditions. This variant is not present in population databases (ExAC no frequency). This sequence change replaces leucine with proline at codon 138 of the NTHL1 protein (p.Leu138Pro). The leucine residue is highly conserved and there is a moderate physicochemical difference between leucine and proline.